The following is an entry in ClinVar:

ClinVar aggregate classification (germline): Uncertain significance. Review status: criteria provided, single submitter (1 of 4 stars). 2 submissions from 2 submitters: Uncertain significance (1). 1 of the submissions does not count toward it. Last evaluated 2025-04-11.

Conditions:
Telangiectasia, hereditary hemorrhagic, type 5 (HHT5). Identifiers: Orphanet 774, MedGen C3809710, MONDO:0014217, OMIM 615506.
Pulmonary arterial hypertension. Identifiers: Orphanet 182090, MedGen C2973725, MeSH D000081029, MONDO:0015924, HP:0002092.

Submissions (2):

Labcorp Genetics (formerly Invitae), Labcorp
Classification: Uncertain significance for Telangiectasia, hereditary hemorrhagic, type 5. Last evaluated: 2025-04-11. Review status: criteria provided, single submitter. Criteria: Invitae Variant Classification Sherloc (09022015). Collection method: clinical testing. Allele origin: germline.
Comment: This sequence change replaces alanine, which is neutral and non-polar, with aspartic acid, which is acidic and polar, at codon 185 of the GDF2 protein (p.Ala185Asp). This variant is not present in population databases (gnomAD no frequency). This variant has not been reported in the literature in individuals affected with GDF2-related conditions. ClinVar contains an entry for this variant (Variation ID: 1706627). An algorithm developed to predict the effect of missense changes on protein structure and function (PolyPhen-2) suggests that this variant is likely to be tolerated. In summary, the available evidence is currently insufficient to determine the role of this variant in disease. Therefore, it has been classified as a Variant of Uncertain Significance.

John Welsh Cardiovascular Diagnostic Laboratory, Baylor College of Medicine
Classification: Uncertain significance for Pulmonary arterial hypertension. Last evaluated: 2022-09-26. Review status: no assertion criteria provided. Criteria: ACMG Guidelines, 2015. Collection method: clinical testing. Allele origin: germline. Not counted in ClinVar's aggregate classification.

NM_016204.4(GDF2):c.554C>A (p.Ala185Asp)

Gene: GDF2 (growth differentiation factor 2; plus strand). Cytogenetic location: 10q11.22.
Variant type: single nucleotide variant.
Coding change: c.554C>A on transcript NM_016204.4 (MANE Select); coding-DNA position 554, C replaced by A.
Protein change: p.Ala185Asp; replaces alanine 185 with aspartic acid.
Molecular consequence: missense variant.
Genome position (GRCh38, 1-based): chr10:47,325,048, C>A. VCF-style: chr10-47325048-C-A. GRCh37 (hg19) VCF-style: chr10-48414314-G-T.
Other names: short protein forms A185D.
Identifiers: ClinVar variation 1706627 (VCV001706627.2), dbSNP rs2549019581, ClinGen allele CA376654978.
Genomic context (GRCh38, chr10:47,325,048, plus strand): 5'-ACCTGAAAGGAAGCGTGGTCATTTATGATGTTCTGGATGGAACAGATGCCTGGGATAGTG[C>A]TACAGAGACCAAGACCTTCCTGGTGTCCCAGGACATTCAGGATGAGGGCTGGGAGACCTT-3'
Protein context (NP_057288.1, residues 175-195): VLDGTDAWDS[Ala185Asp]TETKTFLVSQ